The following is an entry in ClinVar:

ClinVar aggregate classification (germline): Uncertain significance. Review status: criteria provided, multiple submitters, no conflicts (2 of 4 stars). 2 submissions from 2 submitters: Uncertain significance (2). Last evaluated 2023-10-18.

Allele frequency attached by ClinVar (database versions not stated): gnomAD 0.00012 and 0.00011; gnomAD exomes 0.00012 and 0.00010; ExAC 0.00011; TOPMed 0.00009.
gnomAD v4.1: 173 of 1,613,350 alleles (0.011%); highest among the groups gnomAD compares: Non-Finnish European, 0.011%; no homozygotes.

Submissions (2):

Labcorp Genetics (formerly Invitae), Labcorp
Classification: Uncertain significance. Last evaluated: 2023-10-18. Review status: criteria provided, single submitter. Criteria: Invitae Variant Classification Sherloc (09022015). Collection method: clinical testing. Allele origin: germline.
Comment: This sequence change replaces asparagine, which is neutral and polar, with lysine, which is basic and polar, at codon 277 of the CENPJ protein (p.Asn277Lys). This variant is present in population databases (rs756983305, gnomAD 0.04%). This variant has not been reported in the literature in individuals affected with CENPJ-related conditions. ClinVar contains an entry for this variant (Variation ID: 1320719). Advanced modeling of protein sequence and biophysical properties (such as structural, functional, and spatial information, amino acid conservation, physicochemical variation, residue mobility, and thermodynamic stability) performed at Invitae indicates that this missense variant is not expected to disrupt CENPJ protein function. In summary, the available evidence is currently insufficient to determine the role of this variant in disease. Therefore, it has been classified as a Variant of Uncertain Significance.

GeneDx
Classification: Uncertain significance. Last evaluated: 2020-05-20. Review status: criteria provided, single submitter. Criteria: GeneDx Variant Classification Process June 2021. Collection method: clinical testing. Allele origin: germline. Affected: yes.
Comment: In silico analysis, which includes protein predictors and evolutionary conservation, supports that this variant does not alter protein structure/function; Has not been previously published as pathogenic or benign to our knowledge

NM_018451.5(CPAP):c.831T>A (p.Asn277Lys)

Gene: CPAP (centrosome assembly and centriole elongation protein; minus strand). Cytogenetic location: 13q12.13.
Variant type: single nucleotide variant.
Coding change: c.831T>A on transcript NM_018451.5 (MANE Select); coding-DNA position 831, T replaced by A.
Protein change: p.Asn277Lys; replaces asparagine 277 with lysine.
Molecular consequence: missense variant. On other transcripts: non-coding transcript variant (2).
Genome position (GRCh38, 1-based): chr13:24,909,824, A>T on the plus strand (T>A on the coding strand, the complement: CPAP is on the minus strand). VCF-style: chr13-24909824-A-T. GRCh37 (hg19) VCF-style: chr13-25483962-A-T.
Other names: short protein forms N277K.
Identifiers: ClinVar variation 1320719 (VCV001320719.5), dbSNP rs756983305, ClinGen allele CA6919916.
Genomic context (GRCh38, chr13:24,909,824, plus strand): 5'-AGAAGAGAGAAACATAAGTAGCTCACCTGTAGGATGGTTACGGTTTTCTTCTTTTAAATT[A>T]TTTTTTTCCACAGGTGCTTCTTGATACTGTGCCTCAGAAAATAAATTAGGAGACGCACGT-3'
Protein context (NP_060921.3, residues 267-287): AQYQEAPVEK[Asn277Lys]NLKEENRNHP